The following is an entry in ClinVar:

NM_024753.5(TTC21B):c.2951-1991A>G

Gene: TTC21B (tetratricopeptide repeat domain 21B; minus strand). Cytogenetic location: 2q24.3.
Variant type: single nucleotide variant.
Coding change: c.2951-1991A>G on transcript NM_024753.5 (MANE Select); 1991 bases into the intron before coding-DNA position 2951, A replaced by G.
Molecular consequence: intron variant.
Genome position (GRCh38, 1-based): chr2:165,892,979, T>C on the plus strand (A>G on the coding strand, the complement: TTC21B is on the minus strand). VCF-style: chr2-165892979-T-C. GRCh37 (hg19) VCF-style: chr2-166749489-T-C.
Identifiers: ClinVar variation 4822528 (VCV004822528.4).

ClinVar aggregate classification (germline): Likely benign (1 of 4 stars; one submission).

gnomAD v4.1: 1 of 152,318 alleles (0.00066%); highest among the groups gnomAD compares: South Asian, 0.021%; no homozygotes.

Submission:

CeGaT Center for Human Genetics Tuebingen
Classification: Likely benign. Last evaluated: 2026-01-01. Review status: criteria provided, single submitter. Criteria: CeGaT Center For Human Genetics Tuebingen Variant Classification Criteria Version 2. Collection method: clinical testing. Allele origin: germline. Affected: yes. Observed: 1 variant allele.
Comment: TTC21B: BP4, BP7